The following is an entry in ClinVar:

NM_001845.6(COL4A1):c.4010C>T (p.Pro1337Leu)

Gene: COL4A1 (collagen type IV alpha 1 chain; minus strand). Cytogenetic location: 13q34.
Variant type: single nucleotide variant.
Coding change: c.4010C>T on transcript NM_001845.6 (MANE Select); coding-DNA position 4010, C replaced by T.
Protein change: p.Pro1337Leu; replaces proline 1337 with leucine.
Molecular consequence: missense variant.
Genome position (GRCh38, 1-based): chr13:110,166,243, G>A on the plus strand (C>T on the coding strand, the complement: COL4A1 is on the minus strand). VCF-style: chr13-110166243-G-A. GRCh37 (hg19) VCF-style: chr13-110818590-G-A.
Other names: short protein forms P1337L.
Identifiers: ClinVar variation 311030 (VCV000311030.16), dbSNP rs189728415, ClinGen allele CA7047067.

ClinVar aggregate classification (germline): Conflicting classifications of pathogenicity. Review status: criteria provided, conflicting classifications (1 of 4 stars). 4 submissions from 3 submitters: Uncertain significance (2); Benign (2). Last evaluated 2025-11-11.

Conditions:
Brain small vessel disease 1 with or without ocular anomalies (BSVD1). Also called: BRAIN SMALL VESSEL DISEASE WITH HEMORRHAGE; GOULD SYNDROME 1; PORENCEPHALY, TYPE 1, AUTOSOMAL DOMINANT; Brain small vessel disease with or without ocular anomalies. Identifiers: Orphanet 2940, Orphanet 36383, Orphanet 99810, MedGen C4755307, MONDO:0008289, OMIM 175780.
Autosomal dominant familial hematuria-retinal arteriolar tortuosity-contractures syndrome. Also called: Angiopathy, hereditary, with nephropathy, aneurysms, and muscle cramps; Hereditary Angiopathy with Nephropathy, Aneurysms, and Muscle Cramps (HANAC) Syndrome. Identifiers: Orphanet 73229, MedGen C2673195, MONDO:0012726, OMIM 611773.

Allele frequency attached by ClinVar (database versions not stated): ExAC 0.00008; gnomAD exomes 0.00010 and 0.00011; ESP Exome Variant Server 0.00015; 1000 Genomes Project 30x 0.00016; 1000 Genomes Project 0.00020; gnomAD 0.00004 and 0.00005; TOPMed 0.00006.
gnomAD v4.1: 161 of 1,606,326 alleles (0.01%); highest among the groups gnomAD compares: Non-Finnish European, 0.012%; no homozygotes.

Submissions (4):

Labcorp Genetics (formerly Invitae), Labcorp
Classification: Uncertain significance. Last evaluated: 2025-11-11. Review status: criteria provided, single submitter. Criteria: Invitae Variant Classification Sherloc (09022015). Collection method: clinical testing. Allele origin: germline.
Comment: This sequence change replaces proline, which is neutral and non-polar, with leucine, which is neutral and non-polar, at codon 1337 of the COL4A1 protein (p.Pro1337Leu). This variant is present in population databases (rs189728415, gnomAD 0.01%). This missense change has been observed in individual(s) with COL4A1-related conditions (PMID: 31719132). ClinVar contains an entry for this variant (Variation ID: 311030). Invitae Evidence Modeling of protein sequence and biophysical properties (such as structural, functional, and spatial information, amino acid conservation, physicochemical variation, residue mobility, and thermodynamic stability) indicates that this missense variant is not expected to disrupt COL4A1 protein function with a negative predictive value of 95%. In summary, the available evidence is currently insufficient to determine the role of this variant in disease. Therefore, it has been classified as a Variant of Uncertain Significance.

GeneDx
Classification: Uncertain significance. Last evaluated: 2022-08-04. Review status: criteria provided, single submitter. Criteria: GeneDx Variant Classification Process June 2021. Collection method: clinical testing. Allele origin: germline. Affected: yes.
Comment: Reported in association with small vessel disease (Tan et al., 2019); In silico analysis supports that this missense variant has a deleterious effect on protein structure/function; Occurs in the triple helical domain at the Y position in the canonical Gly-X-Y repeat; although this variant may have an effect on normal protein folding and function, missense substitution at the Y position is not a common mechanism of disease; This variant is associated with the following publications: (PMID: 31719132)

Illumina Laboratory Services, Illumina
Classification: Benign for Autosomal dominant familial hematuria-retinal arteriolar tortuosity-contractures syndrome. Last evaluated: 2018-01-13. Review status: criteria provided, single submitter. Criteria: ICSL Variant Classification Criteria 13 December 2019. Collection method: clinical testing. Allele origin: germline.
Comment: This variant was observed in the ICSL laboratory as part of a predisposition screen in an ostensibly healthy population. It had not been previously curated by ICSL or reported in the Human Gene Mutation Database (HGMD: prior to June 1st, 2018), and was therefore a candidate for classification through an automated scoring system. Utilizing variant allele frequency, disease prevalence and penetrance estimates, and inheritance mode, an automated score was calculated to assess if this variant is too frequent to cause the disease. Based on the score and internal cut-off values, a variant classified as benign is not then subjected to further curation. The score for this variant resulted in a classification of benign for this disease.

Illumina Laboratory Services, Illumina
Classification: Benign for Brain small vessel disease 1 with or without ocular anomalies. Last evaluated: 2018-01-13. Review status: criteria provided, single submitter. Criteria: ICSL Variant Classification Criteria 13 December 2019. Collection method: clinical testing. Allele origin: germline.
Comment: the same text as in the submission from Illumina Laboratory Services, Illumina above.

Literature cited by the submitters: PubMed 31719132 (cited by Labcorp Genetics (formerly Invitae), Labcorp).